The following is an entry in ClinVar:

NM_001282717.2(STAG3):c.11C>T (p.Pro4Leu)

Gene: STAG3 (STAG3 cohesin complex component; plus strand). Cytogenetic location: 7q22.1.
Variant type: single nucleotide variant.
Coding change: c.11C>T on transcript NM_001282717.2 (MANE Select); coding-DNA position 11, C replaced by T.
Protein change: p.Pro4Leu; replaces proline 4 with leucine.
Molecular consequence: missense variant.
Genome position (GRCh38, 1-based): chr7:100,180,567, C>T. VCF-style: chr7-100180567-C-T. GRCh37 (hg19) VCF-style: chr7-99778190-C-T.
Other names: c.11C>T, p.Pro4Leu (NM_001282716.1, NM_001282718.2, NM_001375438.1 and 1 more transcripts); c.11C>T (NM_012447.2); short protein forms P4L.
Identifiers: ClinVar variation 3026104 (VCV003026104.24), dbSNP rs140021945, ClinGen allele CA4377969.

ClinVar aggregate classification (germline): Uncertain significance. Review status: criteria provided, multiple submitters, no conflicts (2 of 4 stars). 2 submissions from 2 submitters: Uncertain significance (2). Last evaluated 2024-11-22.

Conditions:
Inborn genetic diseases. Identifiers: MedGen C0950123, MeSH D030342.

Allele frequency attached by ClinVar (database versions not stated): ExAC 0.00012; 1000 Genomes Project 30x 0.00016; 1000 Genomes Project 0.00020; gnomAD 0.00032; TOPMed 0.00034; ESP Exome Variant Server 0.00069.
gnomAD v4.1: 113 of 1,606,964 alleles (0.007%); highest among the groups gnomAD compares: African/African-American, 0.11%; no homozygotes.

Submissions (2):

Ambry Genetics
Classification: Uncertain significance for Inborn genetic diseases. Last evaluated: 2024-11-22. Review status: criteria provided, single submitter. Criteria: Ambry Variant Classification Scheme 2023. Collection method: clinical testing. Allele origin: germline.

CeGaT Center for Human Genetics Tuebingen
Classification: Uncertain significance. Last evaluated: 2023-12-01. Review status: criteria provided, single submitter. Criteria: CeGaT Center For Human Genetics Tuebingen Variant Classification Criteria Version 2. Collection method: clinical testing. Allele origin: germline. Affected: yes. Observed: 1 variant allele.
Comment: STAG3: PM2, BP4